The following is an entry in ClinVar:

ClinVar aggregate classification (germline): Pathogenic (1 of 4 stars; one submission).

Submission:

Labcorp Genetics (formerly Invitae), Labcorp
Classification: Pathogenic. Last evaluated: 2022-07-28. Review status: criteria provided, single submitter. Criteria: Invitae Variant Classification Sherloc (09022015). Collection method: clinical testing. Allele origin: germline.
Comment: This variant is a gross deletion of the genomic region encompassing exon(s) 4 of the DTNBP1 gene. This deletion is out-of-frame, and is expected to create a premature termination codon and result in an absent or disrupted protein product. Loss-of-function variants in DTNBP1 are known to be pathogenic (PMID: 12923531, 23364359). This variant has not been reported in the literature in individuals affected with DTNBP1-related conditions. For these reasons, this variant has been classified as Pathogenic.

Literature cited by the submitters: PubMed 12923531; PubMed 23364359.

NC_000006.11:g.(?_15637955)_(15638055_?)del

Gene: DTNBP1 (dystrobrevin binding protein 1; minus strand). Cytogenetic location: 6p22.3.
Variant type: Deletion.
Identifiers: ClinVar variation 2427023 (VCV002427023.4).